The following is an entry in ClinVar:

NM_018297.4(NGLY1):c.1228C>T (p.Leu410Phe)

Gene: NGLY1 (N-glycanase 1; minus strand). Cytogenetic location: 3p24.2.
Variant type: single nucleotide variant.
Coding change: c.1228C>T on transcript NM_018297.4 (MANE Select); coding-DNA position 1228, C replaced by T.
Protein change: p.Leu410Phe; replaces leucine 410 with phenylalanine.
Molecular consequence: missense variant.
Genome position (GRCh38, 1-based): chr3:25,733,904, G>A on the plus strand (C>T on the coding strand, the complement: NGLY1 is on the minus strand). VCF-style: chr3-25733904-G-A. GRCh37 (hg19) VCF-style: chr3-25775395-G-A.
Other names: c.1174C>T, p.Leu392Phe (NM_001145293.2); c.1102C>T, p.Leu368Phe (NM_001145294.2); c.1228C>T, p.Leu410Phe (NM_001145295.2); short protein forms L368F, L410F, L392F.
Identifiers: ClinVar variation 647628 (VCV000647628.8), dbSNP rs1056459017, ClinGen allele CA71653876.

ClinVar aggregate classification (germline): Uncertain significance. Review status: criteria provided, multiple submitters, no conflicts (2 of 4 stars). 2 submissions from 2 submitters: Uncertain significance (2). Last evaluated 2022-07-26.

Conditions:
Congenital disorder of deglycosylation (CDDG). Identifiers: MedGen C3808991, MONDO:0031376.

Allele frequency attached by ClinVar (database versions not stated): gnomAD exomes 0.00001; gnomAD 0.00003; TOPMed 0.00003.

Submissions (2):

Labcorp Genetics (formerly Invitae), Labcorp
Classification: Uncertain significance for Congenital disorder of deglycosylation. Last evaluated: 2022-07-26. Review status: criteria provided, single submitter. Criteria: Invitae Variant Classification Sherloc (09022015). Collection method: clinical testing. Allele origin: germline.
Comment: This sequence change replaces leucine, which is neutral and non-polar, with phenylalanine, which is neutral and non-polar, at codon 410 of the NGLY1 protein (p.Leu410Phe). This variant is not present in population databases (gnomAD no frequency). This variant has not been reported in the literature in individuals affected with NGLY1-related conditions. ClinVar contains an entry for this variant (Variation ID: 647628). Algorithms developed to predict the effect of missense changes on protein structure and function are either unavailable or do not agree on the potential impact of this missense change (SIFT: "Tolerated"; PolyPhen-2: "Probably Damaging"; Align-GVGD: "Class C0"). In summary, the available evidence is currently insufficient to determine the role of this variant in disease. Therefore, it has been classified as a Variant of Uncertain Significance.

GeneDx
Classification: Uncertain significance. Last evaluated: 2020-10-16. Review status: criteria provided, single submitter. Criteria: GeneDx Variant Classification Process June 2021. Collection method: clinical testing. Allele origin: germline. Affected: yes.
Comment: Not observed in large population cohorts (Lek et al., 2016); In silico analysis supports that this missense variant has a deleterious effect on protein structure/function; Has not been previously published as pathogenic or benign to our knowledge